The following is an entry in ClinVar:

NM_001257180.2(SLC20A2):c.849C>T (p.Ser283=)

Gene: SLC20A2 (solute carrier family 20 member 2; minus strand). Cytogenetic location: 8p11.21.
Variant type: single nucleotide variant.
Coding change: c.849C>T on transcript NM_001257180.2 (MANE Select); coding-DNA position 849, C replaced by T.
Protein change: p.Ser283=; no amino-acid change (serine 283 retained).
Molecular consequence: synonymous variant.
Genome position (GRCh38, 1-based): chr8:42,439,535, G>A on the plus strand (C>T on the coding strand, the complement: SLC20A2 is on the minus strand). VCF-style: chr8-42439535-G-A. GRCh37 (hg19) VCF-style: chr8-42297053-G-A.
Other names: c.849C>T, p.Ser283= (NM_001257181.2, NM_006749.5).
Identifiers: ClinVar variation 363083 (VCV000363083.15), dbSNP rs114218633, ClinGen allele CA4733452.

ClinVar aggregate classification (germline): Benign/Likely benign. Review status: criteria provided, multiple submitters, no conflicts (2 of 4 stars). 4 submissions from 4 submitters: Benign (3); Likely benign (1). Last evaluated 2026-01-12.

Conditions:
Idiopathic basal ganglia calcification 1 (PFBC1A). Also called: Familial Idiopathic Basal Ganglia Calcification 2; Familial Idiopathic Basal Ganglia Calcification 3; Primary Familial Brain Calcification; PRIMARY FAMILIAL BRAIN CALCIFICATION 1A, AUTOSOMAL DOMINANT; Fahr's syndrome; Cerebral calcification nonarteriosclerotic idiopathic adult-onset. Identifiers: Orphanet 1980, MedGen C4551624, MONDO:0024538, OMIM 213600.

Allele frequency attached by ClinVar (database versions not stated): gnomAD exomes 0.00017 and 0.00070; gnomAD 0.00031 and 0.00042; TOPMed 0.00036; 1000 Genomes Project 30x 0.00250; ExAC 0.00070; 1000 Genomes Project 0.00260.
gnomAD v4.1: 319 of 1,614,224 alleles (0.02%); highest among the groups gnomAD compares: East Asian, 0.6%; 2 homozygotes.

Submissions (4):

Labcorp Genetics (formerly Invitae), Labcorp
Classification: Benign. Last evaluated: 2026-01-12. Review status: criteria provided, single submitter. Criteria: Invitae Variant Classification Sherloc (09022015). Collection method: clinical testing. Allele origin: germline.

Blueprint Genetics
Classification: Likely benign. Last evaluated: 2024-11-27. Review status: criteria provided, single submitter. Criteria: ACMG Guidelines, 2015. Collection method: clinical testing. Allele origin: germline.

GeneDx
Classification: Benign. Last evaluated: 2021-08-09. Review status: criteria provided, single submitter. Criteria: GeneDx Variant Classification Process June 2021. Collection method: clinical testing. Allele origin: germline. Affected: yes.

Illumina Laboratory Services, Illumina
Classification: Benign for Idiopathic basal ganglia calcification 1. Last evaluated: 2018-01-12. Review status: criteria provided, single submitter. Criteria: ICSL Variant Classification Criteria 13 December 2019. Collection method: clinical testing. Allele origin: germline.
Comment: This variant was observed in the ICSL laboratory as part of a predisposition screen in an ostensibly healthy population. It had not been previously curated by ICSL or reported in the Human Gene Mutation Database (HGMD: prior to June 1st, 2018), and was therefore a candidate for classification through an automated scoring system. Utilizing variant allele frequency, disease prevalence and penetrance estimates, and inheritance mode, an automated score was calculated to assess if this variant is too frequent to cause the disease. Based on the score and internal cut-off values, a variant classified as benign is not then subjected to further curation. The score for this variant resulted in a classification of benign for this disease.